The following is an entry in ClinVar:

NM_001369.3(DNAH5):c.12708T>C (p.Gly4236=)

Gene: DNAH5 (dynein axonemal heavy chain 5; minus strand). Cytogenetic location: 5p15.2.
Variant type: single nucleotide variant.
Coding change: c.12708T>C on transcript NM_001369.3 (MANE Select); coding-DNA position 12708, T replaced by C.
Protein change: p.Gly4236=; no amino-acid change (glycine 4236 retained).
Molecular consequence: synonymous variant.
Genome position (GRCh38, 1-based): chr5:13,716,688, A>G on the plus strand (T>C on the coding strand, the complement: DNAH5 is on the minus strand). VCF-style: chr5-13716688-A-G. GRCh37 (hg19) VCF-style: chr5-13716797-A-G.
Other names: p.Gly4236=.
Identifiers: ClinVar variation 226592 (VCV000226592.30), dbSNP rs61744054, ClinGen allele CA3201541.

ClinVar aggregate classification (germline): Benign. Review status: criteria provided, multiple submitters, no conflicts (2 of 4 stars). 11 submissions from 11 submitters: Benign (10). 1 of the submissions does not count toward it. Last evaluated 2026-02-01.

Conditions:
Primary ciliary dyskinesia. Also called: Ciliary dyskinesia. Identifiers: Orphanet 244, MedGen C0008780, MONDO:0016575, HP:0012265.
Primary ciliary dyskinesia 3. Identifiers: Orphanet 244, MedGen C1837618, MONDO:0012085, OMIM 608644.

Allele frequency attached by ClinVar (database versions not stated): gnomAD exomes 0.00422 and 0.00972; ExAC 0.01179; gnomAD 0.02433 and 0.02551; ESP Exome Variant Server 0.02860; TOPMed 0.02868; 1000 Genomes Project 0.03474; 1000 Genomes Project 30x 0.03529.
gnomAD v4.1: 10,116 of 1,609,210 alleles (0.63%); highest among the groups gnomAD compares: African/African-American, 8%; 289 homozygotes.

Submissions (11):

Labcorp Genetics (formerly Invitae), Labcorp
Classification: Benign for Primary ciliary dyskinesia. Last evaluated: 2026-02-01. Review status: criteria provided, single submitter. Criteria: Invitae Variant Classification Sherloc (09022015). Collection method: clinical testing. Allele origin: germline.

ARUP Laboratories, Molecular Genetics and Genomics, ARUP Laboratories
Classification: Benign for Primary ciliary dyskinesia 3. Last evaluated: 2023-10-06. Review status: criteria provided, single submitter. Criteria: ARUP Molecular Germline Variant Investigation Process 2024. Collection method: clinical testing. Allele origin: germline.

Mayo Clinic Laboratories, Mayo Clinic
Classification: Benign. Last evaluated: 2023-06-17. Review status: criteria provided, single submitter. Criteria: ACMG Guidelines, 2015. Collection method: clinical testing. Allele origin: germline. Observed: 7 variant alleles.

Pars Genome Lab
Classification: Benign for Primary ciliary dyskinesia 3. Last evaluated: 2021-06-15. Review status: criteria provided, single submitter. Criteria: ACMG Guidelines, 2015. Collection method: clinical testing. Allele origin: germline. Affected: no.

GeneDx
Classification: Benign. Last evaluated: 2019-02-24. Review status: criteria provided, single submitter. Criteria: GeneDx Variant Classification Process June 2021. Collection method: clinical testing. Allele origin: germline. Affected: yes.

Illumina Laboratory Services, Illumina
Classification: Benign for Primary ciliary dyskinesia 3. Last evaluated: 2018-01-12. Review status: criteria provided, single submitter. Criteria: ICSL Variant Classification Criteria 13 December 2019. Collection method: clinical testing. Allele origin: germline.
Comment: This variant was observed in the ICSL laboratory as part of a predisposition screen in an ostensibly healthy population. It had not been previously curated by ICSL or reported in the Human Gene Mutation Database (HGMD: prior to June 1st, 2018), and was therefore a candidate for classification through an automated scoring system. Utilizing variant allele frequency, disease prevalence and penetrance estimates, and inheritance mode, an automated score was calculated to assess if this variant is too frequent to cause the disease. Based on the score and internal cut-off values, a variant classified as benign is not then subjected to further curation. The score for this variant resulted in a classification of benign for this disease.

Ambry Genetics
Classification: Benign for Primary ciliary dyskinesia. Last evaluated: 2015-01-16. Review status: criteria provided, single submitter. Criteria: Ambry Variant Classification Scheme 2023. Collection method: clinical testing. Allele origin: germline.

Laboratory for Molecular Medicine, Mass General Brigham Personalized Medicine
Classification: Benign. Last evaluated: 2013-02-21. Review status: criteria provided, single submitter. Criteria: LMM Criteria. Collection method: clinical testing. Allele origin: germline. Observed: 2 variant alleles.
Comment: Gly4236Gly in exon 74 of DNAH5: This variant is not expected to have clinical si gnificance because it does not alter an amino acid residue and is not located wi thin the splice consensus sequence. It has been identified in 8.1% (355/4406) of African American chromosomes from a broad population by the NHLBI Exome Sequenc ing Project (dbSNP rs61744054).

Breakthrough Genomics
Classification: Benign. Review status: criteria provided, single submitter. Criteria: ACMG Guidelines, 2015. Collection method: not provided. Allele origin: germline. Inheritance: Autosomal recessive inheritance. Affected: yes.

PreventionGenetics, part of Exact Sciences
Classification: Benign. Review status: criteria provided, single submitter. Criteria: ACMG Guidelines, 2015. Collection method: clinical testing. Allele origin: germline.

Natera, Inc.
Classification: Benign for Primary ciliary dyskinesia. Last evaluated: 2020-09-16. Review status: no assertion criteria provided. Collection method: clinical testing. Allele origin: germline. Not counted in ClinVar's aggregate classification.